The following is an entry in ClinVar:

NM_015192.4(PLCB1):c.2830C>G (p.Leu944Val)

Gene: PLCB1 (phospholipase C beta 1; plus strand). Cytogenetic location: 20p12.3.
Variant type: single nucleotide variant.
Coding change: c.2830C>G on transcript NM_015192.4 (MANE Select); coding-DNA position 2830, C replaced by G.
Protein change: p.Leu944Val; replaces leucine 944 with valine.
Molecular consequence: missense variant.
Genome position (GRCh38, 1-based): chr20:8,765,258, C>G. VCF-style: chr20-8765258-C-G. GRCh37 (hg19) VCF-style: chr20-8745905-C-G.
Other names: c.2830C>G, p.Leu944Val (NM_182734.3); short protein forms L944V.
Identifiers: ClinVar variation 856228 (VCV000856228.10), dbSNP rs561685256, ClinGen allele CA408208751.
Genomic context (GRCh38, chr20:8,765,258, plus strand): 5'-AAGAAACACTACAAAGAAATGAAAGACCTGGTTAAGAGACACCACAAGAAAACCACTGAC[C>G]TTATCAAAGAACACACTACCAAGTATAATGAAATTCAGAATGACTACTTGAGAAGGAGAG-3'
Protein context (NP_056007.1, residues 934-954): VKRHHKKTTD[Leu944Val]IKEHTTKYNE

ClinVar aggregate classification (germline): Uncertain significance (1 of 4 stars; one submission).

Conditions:
Developmental and epileptic encephalopathy, 12 (DEE12). Identifiers: MedGen C3150988, MONDO:0013389, OMIM 613722.

gnomAD v4.1: 1 of 1,613,888 alleles (0.000062%); highest among the groups gnomAD compares: East Asian, 0.0022%; no homozygotes.

Submission:

Labcorp Genetics (formerly Invitae), Labcorp
Classification: Uncertain significance for Developmental and epileptic encephalopathy, 12. Last evaluated: 2020-01-02. Review status: criteria provided, single submitter. Criteria: Invitae Variant Classification Sherloc (09022015). Collection method: clinical testing. Allele origin: germline.
Comment: In summary, the available evidence is currently insufficient to determine the role of this variant in disease. Therefore, it has been classified as a Variant of Uncertain Significance. Algorithms developed to predict the effect of missense changes on protein structure and function (SIFT, PolyPhen-2, Align-GVGD) all suggest that this variant is likely to be tolerated, but these predictions have not been confirmed by published functional studies and their clinical significance is uncertain. This variant has not been reported in the literature in individuals with PLCB1-related conditions. This variant is not present in population databases (ExAC no frequency). This sequence change replaces leucine with valine at codon 944 of the PLCB1 protein (p.Leu944Val). The leucine residue is moderately conserved and there is a small physicochemical difference between leucine and valine.